The following is an entry in ClinVar:

ClinVar aggregate classification (germline): Uncertain significance (1 of 4 stars; one submission).

Submission:

Labcorp Genetics (formerly Invitae), Labcorp
Classification: Uncertain significance. Last evaluated: 2022-06-16. Review status: criteria provided, single submitter. Criteria: Invitae Variant Classification Sherloc (09022015). Collection method: clinical testing. Allele origin: germline.
Comment: Algorithms developed to predict the effect of missense changes on protein structure and function are either unavailable or do not agree on the potential impact of this missense change (SIFT: "Not Available"; PolyPhen-2: "Possibly Damaging"; Align-GVGD: "Not Available"). In summary, the available evidence is currently insufficient to determine the role of this variant in disease. Therefore, it has been classified as a Variant of Uncertain Significance. This variant has not been reported in the literature in individuals affected with TIMP3-related conditions. Information on the frequency of this variant in the gnomAD database is not available, as this variant may be reported differently in the database. This sequence change replaces proline, which is neutral and non-polar, with phenylalanine, which is neutral and non-polar, at codon 175 of the TIMP3 protein (p.Pro175Phe).

NM_000362.5(TIMP3):c.523_524delinsTT (p.Pro175Phe)

Genes: TIMP3 (TIMP metallopeptidase inhibitor 3; plus strand), SYN3 (synapsin III; minus strand). Cytogenetic location: 22q12.3.
Variant type: Indel.
Coding change: c.523_524delinsTT on transcript NM_000362.5 (MANE Select); coding-DNA positions 523 to 524, CC replaced by TT.
Protein change: p.Pro175Phe; replaces proline 175 with phenylalanine.
Molecular consequence: missense variant. On other transcripts: intron variant (7).
Genome position (GRCh38, 1-based): chr22:32,859,264-32,859,265, CC replaced by TT. VCF-style: chr22-32859264-CC-TT. GRCh37 (hg19) VCF-style: chr22-33255251-CC-TT.
Other names: c.708+5650_708+5651delinsAA (NM_001369909.1, NM_001135774.2, NM_001369910.1); c.711+5650_711+5651delinsAA (NM_001369907.1, NM_003490.4, NM_001369908.1 and 1 more transcripts); short protein forms P175F.
Identifiers: ClinVar variation 2117985 (VCV002117985.4), dbSNP rs2545900512, ClinGen allele CA2580099691.
Genomic context (GRCh38, chr22:32,859,264, plus strand): 5'-TGCTTTGTGACTTCCAAGAACGAGTGTCTCTGGACCGACATGCTCTCCAATTTCGGTTAC[CC>TT]TGGCTACCAGTCCAAACACTACGCCTGCATCCGGCAGAAGGGCGGCTACTGCAGCTGGTA-3'
Protein context (NP_000353.1, residues 165-185): WTDMLSNFGY[Pro175Phe]GYQSKHYACI